The following is an entry in ClinVar:

ClinVar aggregate classification (germline): Uncertain significance (1 of 4 stars; one submission).

Conditions:
Hereditary spastic paraplegia 39 (SPG39). Also called: Spastic Paraplegia Type 39 (SPG39); SPASTIC PARAPLEGIA 39, AUTOSOMAL RECESSIVE. Identifiers: Orphanet 139480, MedGen C2677586, MONDO:0012787, OMIM 612020.

Allele frequency attached by ClinVar (database versions not stated): gnomAD exomes below 0.00001; gnomAD 0.00001; TOPMed 0.00003.
gnomAD v4.1: 6 of 1,613,336 alleles (0.00037%); highest among the groups gnomAD compares: African/African-American, 0.008%; no homozygotes.

Submission:

Labcorp Genetics (formerly Invitae), Labcorp
Classification: Uncertain significance for Hereditary spastic paraplegia 39. Last evaluated: 2022-08-23. Review status: criteria provided, single submitter. Criteria: Invitae Variant Classification Sherloc (09022015). Collection method: clinical testing. Allele origin: germline.
Comment: This sequence change replaces serine, which is neutral and polar, with alanine, which is neutral and non-polar, at codon 474 of the PNPLA6 protein (p.Ser474Ala). This variant is present in population databases (no rsID available, gnomAD 0.007%). This variant has not been reported in the literature in individuals affected with PNPLA6-related conditions. ClinVar contains an entry for this variant (Variation ID: 1437644). Algorithms developed to predict the effect of missense changes on protein structure and function output the following: SIFT: "Tolerated"; PolyPhen-2: "Benign"; Align-GVGD: "Class C0". The alanine amino acid residue is found in multiple mammalian species, which suggests that this missense change does not adversely affect protein function. In summary, the available evidence is currently insufficient to determine the role of this variant in disease. Therefore, it has been classified as a Variant of Uncertain Significance.

NM_001166114.2(PNPLA6):c.1537T>G (p.Ser513Ala)

Gene: PNPLA6 (patatin like domain 6, lysophospholipase; plus strand). Cytogenetic location: 19p13.2.
Variant type: single nucleotide variant.
Coding change: c.1537T>G on transcript NM_001166114.2 (MANE Select); coding-DNA position 1537, T replaced by G.
Protein change: p.Ser513Ala; replaces serine 513 with alanine.
Molecular consequence: missense variant. On other transcripts: intron variant (1).
Genome position (GRCh38, 1-based): chr19:7,543,013, T>G. VCF-style: chr19-7543013-T-G. GRCh37 (hg19) VCF-style: chr19-7607899-T-G.
Other names: c.1564T>G, p.Ser522Ala (NM_001166111.2); c.1420T>G, p.Ser474Ala (NM_001166113.1, NM_006702.5); c.1413+85T>G (NM_001166112.2); short protein forms S522A, S474A, S513A.
Identifiers: ClinVar variation 1437644 (VCV001437644.6), dbSNP rs1306308836, ClinGen allele CA403114695.